The following is an entry in ClinVar:

ClinVar aggregate classification (germline): Uncertain significance (1 of 4 stars; one submission).

Conditions:
Autosomal dominant hypocalcemia 1 (HYPOC1). Also called: HYPOCALCEMIA, FAMILIAL. Identifiers: MedGen C3715128, MONDO:0011013, OMIM 601198.
Familial hypocalciuric hypercalcemia (FHH). Also called: Familial benign hypercalcemia. Identifiers: Orphanet 405, MedGen C1809471, MONDO:0018458.

gnomAD v4.1: 2 of 1,614,178 alleles (0.00012%); highest among the groups gnomAD compares: Non-Finnish European, 0.00017%; no homozygotes.

Submission:

Labcorp Genetics (formerly Invitae), Labcorp
Classification: Uncertain significance for Familial hypocalciuric hypercalcemia; Autosomal dominant hypocalcemia 1. Last evaluated: 2021-08-31. Review status: criteria provided, single submitter. Criteria: Invitae Variant Classification Sherloc (09022015). Collection method: clinical testing. Allele origin: germline.
Comment: This sequence change replaces aspartic acid with histidine at codon 1005 of the CASR protein (p.Asp1005His). The aspartic acid residue is moderately conserved and there is a moderate physicochemical difference between aspartic acid and histidine. This variant is not present in population databases (ExAC no frequency). This variant has not been reported in the literature in individuals affected with CASR-related conditions. Algorithms developed to predict the effect of missense changes on protein structure and function are either unavailable or do not agree on the potential impact of this missense change (SIFT: "Deleterious"; PolyPhen-2: "Possibly Damaging"; Align-GVGD: "Class C0"). In summary, the available evidence is currently insufficient to determine the role of this variant in disease. Therefore, it has been classified as a Variant of Uncertain Significance.

NM_000388.4(CASR):c.3013G>C (p.Asp1005His)

Gene: CASR (calcium sensing receptor; plus strand). Cytogenetic location: 3q21.1.
Variant type: single nucleotide variant.
Coding change: c.3013G>C on transcript NM_000388.4 (MANE Select); coding-DNA position 3013, G replaced by C.
Protein change: p.Asp1005His; replaces aspartic acid 1005 with histidine.
Molecular consequence: missense variant.
Genome position (GRCh38, 1-based): chr3:122,284,967, G>C. VCF-style: chr3-122284967-G-C. GRCh37 (hg19) VCF-style: chr3-122003814-G-C.
Other names: c.3043G>C, p.Asp1015His (NM_001178065.2); short protein forms D1005H, D1015H.
Identifiers: ClinVar variation 463945 (VCV000463945.7), dbSNP rs201990892, ClinGen allele CA354161267.